The following is an entry in ClinVar:

ClinVar aggregate classification (germline): Uncertain significance (1 of 4 stars; one submission).

Conditions:
Glanzmann thrombasthenia 1 (GT1). Also called: BLEEDING DISORDER, PLATELET-TYPE, 2; GP IIb-IIIa COMPLEX DEFICIENCY; GLYCOPROTEIN COMPLEX IIb-IIIa DEFICIENCY; PLATELET FIBRINOGEN RECEPTOR DEFICIENCY. Identifiers: MedGen CN300358, MONDO:0031332, OMIM 273800.

Submission:

ISTH-SSC Genomics in Thrombosis and Hemostasis, KU Leuven, Center for Molecular and Vascular Biology
Classification: Uncertain significance for Glanzmann thrombasthenia 1. Review status: criteria provided, single submitter. Criteria: ACMG Guidelines, 2015. Collection method: clinical testing. Allele origin: germline. Affected: yes. Observed: 1 heterozygote.
Comment: Submitted to GoldVariant by Kathleen Freson, Center for Molecular and Vascular Biology, Leuven, Belgium

NM_000419.5(ITGA2B):c.533G>C (p.Arg178Pro)

Gene: ITGA2B (integrin subunit alpha 2b; minus strand). Cytogenetic location: 17q21.31.
Variant type: single nucleotide variant.
Coding change: c.533G>C on transcript NM_000419.5 (MANE Select); coding-DNA position 533, G replaced by C.
Protein change: p.Arg178Pro; replaces arginine 178 with proline.
Molecular consequence: missense variant.
Genome position (GRCh38, 1-based): chr17:44,385,592, C>G on the plus strand (G>C on the coding strand, the complement: ITGA2B is on the minus strand). VCF-style: chr17-44385592-C-G. GRCh37 (hg19) VCF-style: chr17-42462960-C-G.
Other names: short protein forms R178P.
Identifiers: ClinVar variation 1703866 (VCV001703866.1), dbSNP rs2510084738, ClinGen allele CA399805779.
Genomic context (GRCh38, chr17:44,385,592, plus strand): 5'-GGTCGTAGCTGGCGCTTACTAAAATCATTTTCCACGTAAATGCGGCTCAGGGTGTTCCCG[C>G]GACAGGGGGAGTACTCGGCGCGGCGGCCGCTCTCTGGCTGAGCCAAAAAGCAGCTACCTA-3'
Protein context (NP_000410.2, residues 168-188): SGRRAEYSPC[Arg178Pro]GNTLSRIYVE